The following is an entry in ClinVar:

ClinVar aggregate classification (germline): Pathogenic (1 of 4 stars; one submission).

Conditions:
Mendelian susceptibility to mycobacterial diseases due to complete IL12RB1 deficiency. Also called: IL12RB1 DEFICIENCY; Immunodeficiency 30. Identifiers: Orphanet 319552, MedGen C4013949, MONDO:0013955, OMIM 614891.

Submission:

Labcorp Genetics (formerly Invitae), Labcorp
Classification: Pathogenic for Mendelian susceptibility to mycobacterial diseases due to complete IL12RB1 deficiency. Last evaluated: 2025-02-06. Review status: criteria provided, single submitter. Criteria: Invitae Variant Classification Sherloc (09022015). Collection method: clinical testing. Allele origin: germline.
Comment: This sequence change creates a premature translational stop signal (p.Cys186*) in the IL12RB1 gene. It is expected to result in an absent or disrupted protein product. Loss-of-function variants in IL12RB1 are known to be pathogenic (PMID: 9603733, 12591909). Information on the frequency of this variant in the gnomAD database is not available, as this variant may be reported differently in the database. This premature translational stop signal has been observed in individual(s) with mendelian susceptibility to mycobacterial disease (PMID: 12591909). For these reasons, this variant has been classified as Pathogenic.

Literature cited by the submitters: PubMed 9603733; PubMed 12591909.

NM_005535.3(IL12RB1):c.557_563delinsAGATATCA (p.Cys186_Pro188delinsTer)

Gene: IL12RB1 (interleukin 12 receptor subunit beta 1; minus strand). Cytogenetic location: 19p13.11.
Variant type: Indel.
Coding change: c.557_563delinsAGATATCA on transcript NM_005535.3 (MANE Select); coding-DNA positions 557 to 563, GCGGACC replaced by AGATATCA.
Protein change: p.Cys186_Pro188delinsTer.
Molecular consequence: nonsense.
Genome position (GRCh38, 1-based): chr19:18,076,314-18,076,320, GGTCCGC replaced by TGATATCT on the plus strand (GCGGACC replaced by AGATATCA on the coding strand, the reverse complement: IL12RB1 is on the minus strand). VCF-style: chr19-18076314-GGTCCGC-TGATATCT. GRCh37 (hg19) VCF-style: chr19-18187124-GGTCCGC-TGATATCT.
Other names: c.557_563delinsAGATATCA, p.Cys186_Pro188delinsTer (NM_001290023.2, NM_001440424.1, NM_001440425.1 and 1 more transcripts); c.677_683delinsAGATATCA, p.Cys226_Pro228delinsTer (NM_001290024.2, NM_001440426.1, NM_001440427.1).
Identifiers: ClinVar variation 4705927 (VCV004705927.1).